The following is an entry in ClinVar:

ClinVar aggregate classification (germline): Conflicting classifications of pathogenicity. Review status: criteria provided, conflicting classifications (1 of 4 stars). 5 submissions from 5 submitters: Uncertain significance (2); Benign (1); Likely benign (1). 1 of the submissions does not count toward it. Last evaluated 2026-01-28.

Conditions:
Xeroderma pigmentosum (XP). Identifiers: Orphanet 910, MedGen C0043346, MONDO:0019600.
POLH-related disorder. Also called: POLH-related condition.
Xeroderma pigmentosum variant type. Also called: POLH-Related Xeroderma Pigmentosum; PHOTOSENSITIVITY WITH DEFECTIVE DNA SYNTHESIS; XERODERMA PIGMENTOSUM WITH NORMAL DNA REPAIR RATES. Identifiers: Orphanet 90342, MedGen C1848410, MONDO:0010214, OMIM 278750.

Allele frequency attached by ClinVar (database versions not stated): gnomAD 0.00178 and 0.00168; ExAC 0.00181; gnomAD exomes 0.00153 and 0.00172; ESP Exome Variant Server 0.00154; 1000 Genomes Project 30x 0.00047; 1000 Genomes Project 0.00060; TOPMed 0.00083.
gnomAD v4.1: 2,458 of 1,614,204 alleles (0.15%); highest among the groups gnomAD compares: Non-Finnish European, 0.16%; 4 homozygotes.

Submissions (5):

Labcorp Genetics (formerly Invitae), Labcorp
Classification: Benign. Last evaluated: 2026-01-28. Review status: criteria provided, single submitter. Criteria: Invitae Variant Classification Sherloc (09022015). Collection method: clinical testing. Allele origin: germline.

GeneDx
Classification: Uncertain significance. Last evaluated: 2025-07-24. Review status: criteria provided, single submitter. Criteria: GeneDx Variant Classification Process June 2021. Collection method: clinical testing. Allele origin: germline. Affected: yes.
Comment: In silico analysis supports that this missense variant has a deleterious effect on protein structure/function; Has not been previously published as pathogenic or benign to our knowledge

Sema4
Classification: Likely benign for Xeroderma pigmentosum. Last evaluated: 2021-06-12. Review status: criteria provided, single submitter. Criteria: Sema4 Curation Guidelines. Collection method: curation. Allele origin: germline.

Illumina Laboratory Services, Illumina
Classification: Uncertain significance for Xeroderma pigmentosum variant type. Last evaluated: 2018-01-13. Review status: criteria provided, single submitter. Criteria: ICSL Variant Classification Criteria 13 December 2019. Collection method: clinical testing. Allele origin: germline.

PreventionGenetics, part of Exact Sciences
Classification: Benign for POLH-related condition. Last evaluated: 2020-05-11. Review status: no assertion criteria provided. Collection method: clinical testing. Allele origin: germline. Not counted in ClinVar's aggregate classification.
Comment: This variant is classified as benign based on ACMG/AMP sequence variant interpretation guidelines (Richards et al. 2015 PMID: 25741868, with internal and published modifications).

NM_006502.3(POLH):c.2024C>A (p.Ser675Tyr)

Gene: POLH (DNA polymerase eta; plus strand). Cytogenetic location: 6p21.1.
Variant type: single nucleotide variant.
Coding change: c.2024C>A on transcript NM_006502.3 (MANE Select); coding-DNA position 2024, C replaced by A.
Protein change: p.Ser675Tyr; replaces serine 675 with tyrosine.
Molecular consequence: missense variant. On other transcripts: 3 prime UTR variant (1).
Genome position (GRCh38, 1-based): chr6:43,614,439, C>A. VCF-style: chr6-43614439-C-A. GRCh37 (hg19) VCF-style: chr6-43582176-C-A.
Other names: c.1652C>A, p.Ser551Tyr (NM_001291969.2); c.*708C>A (NM_001291970.2); short protein forms S675Y, S551Y.
Identifiers: ClinVar variation 356915 (VCV000356915.19), dbSNP rs151095678, ClinGen allele CA3827348.